The following is an entry in ClinVar:

NM_004336.5(BUB1):c.3098A>G (p.His1033Arg)

Gene: BUB1 (BUB1 mitotic checkpoint serine/threonine kinase; minus strand). Cytogenetic location: 2q13.
Variant type: single nucleotide variant.
Coding change: c.3098A>G on transcript NM_004336.5 (MANE Select); coding-DNA position 3098, A replaced by G.
Protein change: p.His1033Arg; replaces histidine 1033 with arginine.
Molecular consequence: missense variant.
Genome position (GRCh38, 1-based): chr2:110,638,124, T>C on the plus strand (A>G on the coding strand, the complement: BUB1 is on the minus strand). VCF-style: chr2-110638124-T-C. GRCh37 (hg19) VCF-style: chr2-111395701-T-C.
Other names: c.3038A>G, p.His1013Arg (NM_001278616.2); c.2927A>G, p.His976Arg (NM_001278617.2); short protein forms H1013R, H1033R, H976R.
Identifiers: ClinVar variation 3483062 (VCV003483062.1).

ClinVar aggregate classification (germline): Uncertain significance (1 of 4 stars; one submission).

gnomAD v4.1: 6 of 1,599,242 alleles (0.00038%); highest among the groups gnomAD compares: East Asian, 0.0045%; no homozygotes.

Submission:

Ambry Genetics
Classification: Uncertain significance. Last evaluated: 2024-09-23. Review status: criteria provided, single submitter. Criteria: Ambry Variant Classification Scheme 2023. Collection method: clinical testing. Allele origin: germline.
Comment: The p.H1033R variant (also known as c.3098A>G), located in coding exon 25 of the BUB1 gene, results from an A to G substitution at nucleotide position 3098. The histidine at codon 1033 is replaced by arginine, an amino acid with highly similar properties. This amino acid position is conserved. In addition, this alteration is predicted to be tolerated by in silico analysis. Based on the available evidence, the clinical significance of this variant remains unclear.